The following is an entry in ClinVar:

ClinVar aggregate classification (germline): Pathogenic. Review status: criteria provided, multiple submitters, no conflicts (2 of 4 stars). 2 submissions from 2 submitters: Pathogenic (2). Last evaluated 2019-11-07.

Conditions:
Hereditary cancer-predisposing syndrome. Also called: Neoplastic Syndromes, Hereditary; Hereditary Cancer Syndrome; Hereditary neoplastic syndrome; Tumor predisposition. Identifiers: Orphanet 140162, MedGen C0027672, MeSH D009386, MONDO:0015356.
Ataxia-telangiectasia syndrome (AT). Also called: ATAXIA-TELANGIECTASIA, COMPLEMENTATION GROUP A; ATAXIA-TELANGIECTASIA, FRESNO VARIANT; Ataxia-telangiectasia, complementation group E; Ataxia telangiectasia (A-T); LOUIS-BAR SYNDROME; Cerebello-oculocutaneous telangiectasia. Identifiers: Orphanet 100, MedGen C0004135, MONDO:0008840, OMIM 208900.

Submissions (2):

Labcorp Genetics (formerly Invitae), Labcorp
Classification: Pathogenic for Ataxia-telangiectasia syndrome. Last evaluated: 2019-11-07. Review status: criteria provided, single submitter. Criteria: Invitae Variant Classification Sherloc (09022015). Collection method: clinical testing. Allele origin: germline.
Comment: For these reasons, this variant has been classified as Pathogenic. Loss-of-function variants in ATM are known to be pathogenic (PMID: 23807571, 25614872). This variant has not been reported in the literature in individuals with ATM-related conditions. This variant is not present in population databases (ExAC no frequency). This sequence change creates a premature translational stop signal (p.Ser1455Valfs*3) in the ATM gene. It is expected to result in an absent or disrupted protein product.

Ambry Genetics
Classification: Pathogenic for Hereditary cancer-predisposing syndrome. Last evaluated: 2018-10-30. Review status: criteria provided, single submitter. Criteria: Ambry Variant Classification Scheme 2023. Collection method: clinical testing. Allele origin: germline.
Comment: The c.4363delA pathogenic mutation, located in coding exon 28 of the ATM gene, results from a deletion of one nucleotide at nucleotide position 4363, causing a translational frameshift with a predicted alternate stop codon (p.S1455Vfs*3). This alteration is expected to result in loss of function by premature protein truncation or nonsense-mediated mRNA decay. As such, this alteration is interpreted as a disease-causing mutation.

Literature cited by the submitters: PubMed 23807571 (cited by Labcorp Genetics (formerly Invitae), Labcorp); PubMed 25614872 (cited by Labcorp Genetics (formerly Invitae), Labcorp).

NM_000051.4(ATM):c.4363del (p.Ser1455fs)

Gene: ATM (ATM serine/threonine kinase; plus strand). Cytogenetic location: 11q22.3.
Variant type: Deletion.
Coding change: c.4363del on transcript NM_000051.4 (MANE Select); coding-DNA position 4363, one base deleted (A; older notation c.4363delA).
Protein change: p.Ser1455fs; shifts the reading frame from serine 1455.
Molecular consequence: frameshift variant.
Genome position (GRCh38, 1-based): chr11:108,289,728, A deleted; the last of 5 consecutive A bases (chr11:108,289,724-108,289,728); deleting any one gives the same sequence. VCF-style (leftmost placement, unchanged base first): chr11-108289723-TA-T. GRCh37 (hg19) VCF-style: chr11-108160450-TA-T.
Other names: c.4363del, p.Ser1455fs (NM_001351834.2); c.4363del (NM_000051.3); short protein forms S1455fs.
Identifiers: ClinVar variation 824830 (VCV000824830.12), dbSNP rs1591663478, ClinGen allele CA915944418.